The following is an entry in ClinVar:

NM_004655.4(AXIN2):c.1620C>G (p.His540Gln)

Gene: AXIN2 (axin 2; minus strand). Cytogenetic location: 17q24.1.
Variant type: single nucleotide variant.
Coding change: c.1620C>G on transcript NM_004655.4 (MANE Select); coding-DNA position 1620, C replaced by G.
Protein change: p.His540Gln; replaces histidine 540 with glutamine.
Molecular consequence: missense variant.
Genome position (GRCh38, 1-based): chr17:65,537,416, G>C on the plus strand (C>G on the coding strand, the complement: AXIN2 is on the minus strand). VCF-style: chr17-65537416-G-C. GRCh37 (hg19) VCF-style: chr17-63533534-G-C.
Other names: c.1620C>G, p.His540Gln (NM_001363813.1); short protein forms H540Q.
Identifiers: ClinVar variation 1064234 (VCV001064234.12), dbSNP rs900138742, ClinGen allele CA293098214.

ClinVar aggregate classification (germline): Uncertain significance. Review status: criteria provided, multiple submitters, no conflicts (2 of 4 stars). 4 submissions from 4 submitters: Uncertain significance (4). Last evaluated 2025-02-18.

Conditions:
Hereditary cancer-predisposing syndrome. Also called: Hereditary Cancer Syndrome; Hereditary neoplastic syndrome; Neoplastic Syndromes, Hereditary; Tumor predisposition. Identifiers: Orphanet 140162, MedGen C0027672, MeSH D009386, MONDO:0015356.
Oligodontia-cancer predisposition syndrome. Also called: TOOTH AGENESIS-COLORECTAL CANCER SYNDROME. Identifiers: Orphanet 300576, MedGen C1837750, MONDO:0012075, OMIM 608615. Disease mechanism: loss of function.
Colorectal cancer. Also called: Malignant Colorectal Neoplasm; Colorectal cancer, somatic. Identifiers: MedGen C0346629, MONDO:0005575, OMIM 114500.

Allele frequency attached by ClinVar (database versions not stated): TOPMed below 0.00001.
gnomAD v4.1: 2 of 1,614,104 alleles (0.00012%); highest among the groups gnomAD compares: South Asian, 0.0022%; no homozygotes.

Submissions (4):

Labcorp Genetics (formerly Invitae), Labcorp
Classification: Uncertain significance for Oligodontia-cancer predisposition syndrome. Last evaluated: 2025-02-18. Review status: criteria provided, single submitter. Criteria: Invitae Variant Classification Sherloc (09022015). Collection method: clinical testing. Allele origin: germline.
Comment: This sequence change replaces histidine, which is basic and polar, with glutamine, which is neutral and polar, at codon 540 of the AXIN2 protein (p.His540Gln). This variant is not present in population databases (gnomAD no frequency). This variant has not been reported in the literature in individuals affected with AXIN2-related conditions. ClinVar contains an entry for this variant (Variation ID: 1064234). Invitae Evidence Modeling of protein sequence and biophysical properties (such as structural, functional, and spatial information, amino acid conservation, physicochemical variation, residue mobility, and thermodynamic stability) indicates that this missense variant is not expected to disrupt AXIN2 protein function with a negative predictive value of 80%. In summary, the available evidence is currently insufficient to determine the role of this variant in disease. Therefore, it has been classified as a Variant of Uncertain Significance.

Fulgent Genetics
Classification: Uncertain significance for Colorectal cancer; Oligodontia-cancer predisposition syndrome. Last evaluated: 2024-06-12. Review status: criteria provided, single submitter. Criteria: ACMG Guidelines, 2015. Collection method: clinical testing. Allele origin: germline.

Ambry Genetics
Classification: Uncertain significance for Hereditary cancer-predisposing syndrome. Last evaluated: 2024-04-01. Review status: criteria provided, single submitter. Criteria: Ambry Variant Classification Scheme 2023. Collection method: clinical testing. Allele origin: germline.
Comment: The p.H540Q variant (also known as c.1620C>G), located in coding exon 5 of the AXIN2 gene, results from a C to G substitution at nucleotide position 1620. The histidine at codon 540 is replaced by glutamine, an amino acid with highly similar properties. This amino acid position is poorly conserved in available vertebrate species. In addition, this alteration is predicted to be tolerated by in silico analysis. Since supporting evidence is limited at this time, the clinical significance of this alteration remains unclear.

Baylor Genetics
Classification: Uncertain significance for Colorectal cancer. Last evaluated: 2023-06-09. Review status: criteria provided, single submitter. Criteria: ACMG Guidelines, 2015. Collection method: clinical testing. Allele origin: unknown.